The following is an entry in ClinVar:

NM_004385.5(VCAN):c.4262C>T (p.Pro1421Leu)

Genes: VCAN (versican; plus strand), VCAN-AS1 (VCAN antisense RNA 1; minus strand). Cytogenetic location: 5q14.3.
Variant type: single nucleotide variant.
Coding change: c.4262C>T on transcript NM_004385.5 (MANE Select); coding-DNA position 4262, C replaced by T.
Protein change: p.Pro1421Leu; replaces proline 1421 with leucine.
Molecular consequence: missense variant. On other transcripts: intron variant (2).
Genome position (GRCh38, 1-based): chr5:83,537,265, C>T. VCF-style: chr5-83537265-C-T. GRCh37 (hg19) VCF-style: chr5-82833084-C-T.
Other names: c.1301C>T, p.Pro434Leu (NM_001164097.2); c.4004-8272C>T (NM_001164098.2); c.1043-8272C>T (NM_001126336.3); short protein forms P1421L, P434L.
Identifiers: ClinVar variation 1964395 (VCV001964395.5), dbSNP rs2479102795, ClinGen allele CA360307870.

ClinVar aggregate classification (germline): Uncertain significance (1 of 4 stars; one submission).

Submission:

Labcorp Genetics (formerly Invitae), Labcorp
Classification: Uncertain significance. Last evaluated: 2025-04-17. Review status: criteria provided, single submitter. Criteria: Invitae Variant Classification Sherloc (09022015). Collection method: clinical testing. Allele origin: germline.
Comment: This sequence change replaces proline, which is neutral and non-polar, with leucine, which is neutral and non-polar, at codon 1421 of the VCAN protein (p.Pro1421Leu). This variant is not present in population databases (gnomAD no frequency). This variant has not been reported in the literature in individuals affected with VCAN-related conditions. ClinVar contains an entry for this variant (Variation ID: 1964395). An algorithm developed to predict the effect of missense changes on protein structure and function (PolyPhen-2) suggests that this variant is likely to be disruptive. In summary, the available evidence is currently insufficient to determine the role of this variant in disease. Therefore, it has been classified as a Variant of Uncertain Significance.